The following is an entry in ClinVar:

NM_007215.4(POLG2):c.1315T>C (p.Phe439Leu)

Genes: POLG2 (DNA polymerase gamma 2, accessory subunit; minus strand), MILR1 (mast cell immunoglobulin like receptor 1; plus strand). Cytogenetic location: 17q23.3.
Variant type: single nucleotide variant.
Coding change: c.1315T>C on transcript NM_007215.4 (MANE Select); coding-DNA position 1315, T replaced by C.
Protein change: p.Phe439Leu; replaces phenylalanine 439 with leucine.
Molecular consequence: missense variant.
Genome position (GRCh38, 1-based): chr17:64,477,966, A>G on the plus strand (T>C on the coding strand, the complement: POLG2 is on the minus strand). VCF-style: chr17-64477966-A-G. GRCh37 (hg19) VCF-style: chr17-62474083-A-G.
Other names: short protein forms F439L.
Identifiers: ClinVar variation 889720 (VCV000889720.7), dbSNP rs2037794198, ClinGen allele CA400635556.

ClinVar aggregate classification (germline): Uncertain significance. Review status: criteria provided, multiple submitters, no conflicts (2 of 4 stars). 2 submissions from 2 submitters: Uncertain significance (2). Last evaluated 2024-03-18.

Conditions:
Progressive external ophthalmoplegia with mitochondrial DNA deletions, autosomal dominant 4. Also called: PROGRESSIVE EXTERNAL OPHTHALMOPLEGIA, AUTOSOMAL DOMINANT 4. Identifiers: MedGen C1864668, MONDO:0012415, OMIM 610131.

Allele frequency attached by ClinVar (database versions not stated): gnomAD exomes below 0.00001.
gnomAD v4.1: 3 of 1,613,972 alleles (0.00019%); highest among the groups gnomAD compares: Middle Eastern, 0.017%; no homozygotes.

Submissions (2):

Labcorp Genetics (formerly Invitae), Labcorp
Classification: Uncertain significance. Last evaluated: 2024-03-18. Review status: criteria provided, single submitter. Criteria: Invitae Variant Classification Sherloc (09022015). Collection method: clinical testing. Allele origin: germline.
Comment: This sequence change replaces phenylalanine, which is neutral and non-polar, with leucine, which is neutral and non-polar, at codon 439 of the POLG2 protein (p.Phe439Leu). This variant is not present in population databases (gnomAD no frequency). This variant has not been reported in the literature in individuals affected with POLG2-related conditions. ClinVar contains an entry for this variant (Variation ID: 889720). An algorithm developed to predict the effect of missense changes on protein structure and function (PolyPhen-2) suggests that this variant is likely to be disruptive. In summary, the available evidence is currently insufficient to determine the role of this variant in disease. Therefore, it has been classified as a Variant of Uncertain Significance.

Illumina Laboratory Services, Illumina
Classification: Uncertain significance for Progressive external ophthalmoplegia with mitochondrial DNA deletions, autosomal dominant 4. Last evaluated: 2018-01-13. Review status: criteria provided, single submitter. Criteria: ICSL Variant Classification Criteria 13 December 2019. Collection method: clinical testing. Allele origin: germline.